The following is an entry in ClinVar:

NM_001048174.2(MUTYH):c.91C>A (p.Gln31Lys)

Gene: MUTYH (mutY DNA glycosylase; minus strand). Cytogenetic location: 1p34.1.
Variant type: single nucleotide variant.
Coding change: c.91C>A on transcript NM_001048174.2 (MANE Select); coding-DNA position 91, C replaced by A.
Protein change: p.Gln31Lys; replaces glutamine 31 with lysine.
Molecular consequence: missense variant. On other transcripts: 5 prime UTR variant (7), non-coding transcript variant (7).
Genome position (GRCh38, 1-based): chr1:45,334,415, G>T on the plus strand (C>A on the coding strand, the complement: MUTYH is on the minus strand). VCF-style: chr1-45334415-G-T. GRCh37 (hg19) VCF-style: chr1-45800087-G-T.
Other names: c.91C>A, p.Gln31Lys (NM_001048171.2, NM_001048172.2, NM_001048173.2 and 15 more transcripts); c.133C>A, p.Gln45Lys (NM_001407073.1, NM_012222.3, NM_001128425.2 and 2 more transcripts); c.-66C>A (NM_001407075.1); c.-117C>A (NM_001407082.1, NM_001350651.2); c.109C>A, p.Gln37Lys (NM_001407087.1); c.-122C>A (NM_001407091.1, NM_001293192.2, NM_001293196.2); c.-181C>A (NM_001350650.2); short protein forms Q31K, Q37K, Q45K.
Identifiers: ClinVar variation 4113187 (VCV004113187.1).

ClinVar aggregate classification (germline): Uncertain significance (1 of 4 stars; one submission).

Conditions:
Hereditary cancer-predisposing syndrome. Also called: Tumor predisposition; Neoplastic Syndromes, Hereditary; Hereditary neoplastic syndrome; Hereditary Cancer Syndrome. Identifiers: Orphanet 140162, MedGen C0027672, MeSH D009386, MONDO:0015356.

Submission:

Ambry Genetics
Classification: Uncertain significance for Hereditary cancer-predisposing syndrome. Last evaluated: 2025-08-27. Review status: criteria provided, single submitter. Criteria: Ambry Variant Classification Scheme 2023. Collection method: clinical testing. Allele origin: germline.
Comment: The p.Q45K variant (also known as c.133C>A), located in coding exon 2 of the MUTYH gene, results from a C to A substitution at nucleotide position 133. The glutamine at codon 45 is replaced by lysine, an amino acid with similar properties. This amino acid position is conserved. In addition, this alteration is predicted to be tolerated by in silico analysis. Based on the available evidence, the clinical significance of this variant remains unclear.